The following is an entry in ClinVar:

ClinVar aggregate classification (germline): Uncertain significance. Review status: criteria provided, multiple submitters, no conflicts (2 of 4 stars). 7 submissions from 7 submitters: Uncertain significance (7). Last evaluated 2025-08-15.

Conditions:
NTHL1-related disorder. Also called: NTHL1-related condition; NTHL1-related conditions.
Familial adenomatous polyposis 3. Also called: NTHL1-associated polyposis; NTHL1 Tumor Syndrome; NTHL1-Related Adenomatous Polyposis and Colorectal Cancer; NTHL1-related attenuated familial adenomatous polyposis. Identifiers: Orphanet 220460, Orphanet 454840, MedGen C4225157, MONDO:0014630, OMIM 616415.
Hereditary cancer-predisposing syndrome. Also called: Neoplastic Syndromes, Hereditary; Hereditary Cancer Syndrome; Tumor predisposition; Hereditary neoplastic syndrome. Identifiers: Orphanet 140162, MedGen C0027672, MeSH D009386, MONDO:0015356.

Allele frequency attached by ClinVar (database versions not stated): 1000 Genomes Project 30x 0.00031; 1000 Genomes Project 0.00040.

Submissions (7):

Labcorp Genetics (formerly Invitae), Labcorp
Classification: Uncertain significance. Last evaluated: 2025-08-15. Review status: criteria provided, single submitter. Criteria: Invitae Variant Classification Sherloc (09022015). Collection method: clinical testing. Allele origin: germline.
Comment: This sequence change replaces valine, which is neutral and non-polar, with isoleucine, which is neutral and non-polar, at codon 179 of the NTHL1 protein (p.Val179Ile). This variant is present in population databases (rs561923127, gnomAD 0.01%). This variant has not been reported in the literature in individuals affected with NTHL1-related conditions. ClinVar contains an entry for this variant (Variation ID: 834869). An algorithm developed to predict the effect of missense changes on protein structure and function (PolyPhen-2) suggests that this variant is likely to be disruptive. Experimental studies have shown that this missense change does not substantially affect NTHL1 function (PMID: 30552997). In summary, the available evidence is currently insufficient to determine the role of this variant in disease. Therefore, it has been classified as a Variant of Uncertain Significance.

PreventionGenetics, part of Exact Sciences
Classification: Uncertain significance for NTHL1-related condition. Last evaluated: 2025-08-14. Review status: criteria provided, single submitter. Criteria: ACMG Guidelines, 2015. Collection method: clinical testing. Allele origin: germline.
Comment: The NTHL1 c.535G>A variant is predicted to result in the amino acid substitution p.Val179Ile. To our knowledge, this variant has not been reported in the literature in individuals with NTHL1-related conditions. An in vitro functional study demonstrated that cells with this variant have DNA repair capacities similar to wild type (Shinmura et al. 2018. PubMed ID: 30552997). This variant is reported in 0.0098% of alleles in individuals of South Asian descent in gnomAD and is classified as a variant of uncertain significance in ClinVar (Variation ID: 834869). At this time, the clinical significance of this variant is uncertain due to the absence of conclusive functional and genetic evidence.

Ambry Genetics
Classification: Uncertain significance for Hereditary cancer-predisposing syndrome. Last evaluated: 2024-12-21. Review status: criteria provided, single submitter. Criteria: Ambry Variant Classification Scheme 2023. Collection method: clinical testing. Allele origin: germline.
Comment: The p.V179I variant (also known as c.535G>A), located in coding exon 3 of the NTHL1 gene, results from a G to A substitution at nucleotide position 535. The valine at codon 179 is replaced by isoleucine, an amino acid with highly similar properties. In one in vitro functional study, this variant demonstrated repair activity for oxidative damage similar to wild type NTHL1 (Shinmura K et al. Free Radic. Biol. Med., 2019 02;131:264-273). This amino acid position is highly conserved in available vertebrate species. In addition, the in silico prediction for this alteration is inconclusive. Based on the available evidence, the clinical significance of this variant remains unclear.

GeneDx
Classification: Uncertain significance. Last evaluated: 2024-09-01. Review status: criteria provided, single submitter. Criteria: GeneDx Variant Classification Process June 2021. Collection method: clinical testing. Allele origin: germline. Affected: yes.
Comment: Not observed at significant frequency in large population cohorts (gnomAD); In silico analysis indicates that this missense variant does not alter protein structure/function; Published functional studies suggest no damaging effect: no impact on DNA glycosylase activity (PMID: 30552997); This variant is associated with the following publications: (PMID: 30552997)

Quest Diagnostics Nichols Institute San Juan Capistrano
Classification: Uncertain significance. Last evaluated: 2024-07-09. Review status: criteria provided, single submitter. Criteria: Quest Diagnostics criteria. Collection method: clinical testing. Allele origin: unknown.
Comment: The NTHL1 c.535G>A (p.Val179Ile) variant has been reported in the published literature to have no deleterious impact on NTHL1 function (PMID: 30552997 (2019)). The frequency of this variant in the general population, 0.000098 (3/30596 chromosomes (Genome Aggregation Database)), is uninformative in the assessment of its pathogenicity. Analysis of this variant using bioinformatics tools for the prediction of the effect of amino acid changes on protein structure and function yielded conflicting predictions that this variant is benign or damaging. Based on the available information, we are unable to determine the clinical significance of this variant.

Baylor Genetics
Classification: Uncertain significance for Familial adenomatous polyposis 3. Last evaluated: 2024-02-12. Review status: criteria provided, single submitter. Criteria: ACMG Guidelines, 2015. Collection method: clinical testing. Allele origin: unknown.

Blueprint Genetics
Classification: Uncertain significance. Last evaluated: 2022-04-21. Review status: criteria provided, single submitter. Criteria: ACMG Guidelines, 2015. Collection method: clinical testing. Allele origin: germline.

Literature cited by the submitters: PubMed 30552997 (cited by 3 submitters).

NM_002528.7(NTHL1):c.511G>A (p.Val171Ile)

Gene: NTHL1 (nth like DNA glycosylase 1; minus strand). Cytogenetic location: 16p13.3.
Variant type: single nucleotide variant.
Coding change: c.511G>A on transcript NM_002528.7 (MANE Select); coding-DNA position 511, G replaced by A.
Protein change: p.Val171Ile; replaces valine 171 with isoleucine.
Molecular consequence: missense variant. On other transcripts: intron variant (1).
Genome position (GRCh38, 1-based): chr16:2,044,644, C>T on the plus strand (G>A on the coding strand, the complement: NTHL1 is on the minus strand). VCF-style: chr16-2044644-C-T. GRCh37 (hg19) VCF-style: chr16-2094645-C-T.
Other names: c.181G>A, p.Val61Ile (NM_001318194.2); c.355-918G>A (NM_001318193.2); short protein forms V171I, V61I.
Identifiers: ClinVar variation 834869 (VCV000834869.19), dbSNP rs561923127, ClinGen allele CA7828235.